The following is an entry in ClinVar:

ClinVar aggregate classification (germline): Pathogenic (1 of 4 stars; one submission).

Conditions:
Duchenne muscular dystrophy (DMD). Also called: MUSCULAR DYSTROPHY, PSEUDOHYPERTROPHIC PROGRESSIVE, DUCHENNE TYPE; Duchenne Muscular Dystrophy (DMD). Identifiers: Orphanet 98896, MedGen C0013264, MONDO:0010679, OMIM 310200.

Submissions (2):

Labcorp Genetics (formerly Invitae), Labcorp
Classification: Pathogenic for Duchenne muscular dystrophy. Last evaluated: 2024-12-17. Review status: criteria provided, single submitter. Criteria: Invitae Variant Classification Sherloc (09022015). Collection method: clinical testing. Allele origin: germline.
Comment: This sequence change creates a premature translational stop signal (p.Trp2915*) in the DMD gene. It is expected to result in an absent or disrupted protein product. Loss-of-function variants in DMD are known to be pathogenic (PMID: 16770791, 25007885). This variant is not present in population databases (gnomAD no frequency). This premature translational stop signal has been observed in individual(s) with clinical features of dystrophinopathy (PMID: 16834926). ClinVar contains an entry for this variant (Variation ID: 1071899). For these reasons, this variant has been classified as Pathogenic.

Dr. Peter K. Rogan Lab, Western University
No classification provided (evidence only). Condition: Nonpapillary renal cell carcinoma. Review status: no classification provided. Collection method: in vitro. Allele origin: not applicable. Functional consequence: retained intron. Not counted in ClinVar's aggregate classification.

Literature cited by the submitters: PubMed 16770791 (cited by Labcorp Genetics (formerly Invitae), Labcorp); PubMed 25007885 (cited by Labcorp Genetics (formerly Invitae), Labcorp); PubMed 16834926 (cited by Labcorp Genetics (formerly Invitae), Labcorp).

NM_004006.3(DMD):c.8745G>A (p.Trp2915Ter)

Gene: DMD (dystrophin; minus strand). Cytogenetic location: Xp21.2.
Variant type: single nucleotide variant.
Coding change: c.8745G>A on transcript NM_004006.3 (MANE Select); coding-DNA position 8745, G replaced by A.
Protein change: p.Trp2915Ter; replaces tryptophan 2915 with a stop codon.
Molecular consequence: nonsense.
Genome position (GRCh38, 1-based): chrX:31,478,298, C>T on the plus strand (G>A on the coding strand, the complement: DMD is on the minus strand). VCF-style: chrX-31478298-C-T. GRCh37 (hg19) VCF-style: chrX-31496415-C-T.
Other names: c.8721G>A, p.Trp2907Ter (NM_000109.4); c.8733G>A, p.Trp2911Ter (NM_004009.3); c.8376G>A, p.Trp2792Ter (NM_004010.3); c.4722G>A, p.Trp1574Ter (NM_004011.4); c.4713G>A, p.Trp1571Ter (NM_004012.4); c.1365G>A, p.Trp455Ter (NM_004013.3, NM_004020.4, NM_004021.3 and 2 more transcripts); c.558G>A, p.Trp186Ter (NM_004014.3); short protein forms W1571*, W1574*, W186*, W2792*, W2907*, W2911*, W2915*, W455*.
Identifiers: ClinVar variation 1071899 (VCV001071899.11), dbSNP rs761750882, ClinGen allele CA412654253.